The following is an entry in ClinVar:

NM_000512.5(GALNS):c.806T>C (p.Leu269Pro)

Gene: GALNS (galactosamine (N-acetyl)-6-sulfatase; minus strand). Cytogenetic location: 16q24.3.
Variant type: single nucleotide variant.
Coding change: c.806T>C on transcript NM_000512.5 (MANE Select); coding-DNA position 806, T replaced by C.
Protein change: p.Leu269Pro; replaces leucine 269 with proline.
Molecular consequence: missense variant.
Genome position (GRCh38, 1-based): chr16:88,835,305, A>G on the plus strand (T>C on the coding strand, the complement: GALNS is on the minus strand). VCF-style: chr16-88835305-A-G. GRCh37 (hg19) VCF-style: chr16-88901713-A-G.
Other names: c.251T>C, p.Leu84Pro (NM_001323543.2); c.824T>C, p.Leu275Pro (NM_001323544.2); short protein forms L269P, L275P, L84P.
Identifiers: ClinVar variation 2577311 (VCV002577311.1), dbSNP rs757813864, ClinGen allele CA8234969.
Genomic context (GRCh38, chr16:88,835,305, plus strand): 5'-TTGTCCGACGTGAAGAAGACGAAGGTGTTGTCCGCGACGTGCAGGTCTTGGAGGAGCTCC[A>G]GTATCTTCCCAATGCTGTCATCAATCTCCCGGACGGCGTCTCCATACCTGCAGGATGGTG-3'
Protein context (NP_000503.1, residues 259-279): REIDDSIGKI[Leu269Pro]ELLQDLHVAD

ClinVar aggregate classification (germline): Uncertain significance (1 of 4 stars; one submission).

Allele frequency attached by ClinVar (database versions not stated): gnomAD exomes 0.00001; ExAC 0.00002.
gnomAD v4.1: 3 of 1,613,646 alleles (0.00019%); highest among the groups gnomAD compares: Non-Finnish European, 0.00025%; no homozygotes.

Submission:

Women's Health and Genetics/Laboratory Corporation of America, LabCorp
Classification: Uncertain significance. Last evaluated: 2023-07-06. Review status: criteria provided, single submitter. Criteria: LabCorp Variant Classification Summary - May 2015. Collection method: clinical testing. Allele origin: germline.
Comment: Variant summary: GALNS c.806T>C (p.Leu269Pro) results in a non-conservative amino acid change located in the Sulfatase, N-terminal domain (IPR000917) of the encoded protein sequence. Five of five in-silico tools predict a damaging effect of the variant on protein function. The variant allele was found at a frequency of 8e-06 in 250102 control chromosomes (gnomAD). The available data on variant occurrences in the general population are insufficient to allow any conclusion about variant significance. c.806T>C has been reported in the literature in an individual affected with Mucopolysaccharidosis Type IVA (Morquio Syndrome A) (example: Yi_2022). These data do not allow any conclusion about variant significance. To our knowledge, no experimental evidence demonstrating an impact on protein function has been reported. The following publication has been ascertained in the context of this evaluation (PMID: 35212421). No submitters have cited clinical-significance assessments for this variant to ClinVar after 2014. Based on the evidence outlined above, the variant was classified as uncertain significance.

Literature cited by the submitters: PubMed 35212421.